The following is an entry in ClinVar:

ClinVar aggregate classification (germline): Pathogenic/Likely pathogenic. Review status: criteria provided, multiple submitters, no conflicts (2 of 4 stars). 6 submissions from 6 submitters: Pathogenic (2); Likely pathogenic (1). 3 of the submissions do not count toward it. Last evaluated 2026-05-15.

Conditions:
Cardiovascular phenotype. Identifiers: MedGen CN230736.
Familial long QT syndrome (RWS). Also called: Congenital long QT syndrome; Romano-Ward syndrome; VENTRICULAR FIBRILLATION WITH PROLONGED QT INTERVAL. Identifiers: Orphanet 768, MedGen C1141890, MONDO:0019171.
Long QT syndrome (LQTS). Identifiers: MedGen C0023976, MeSH D008133, MONDO:0002442. Disease mechanism: loss of function. Inheritance: Various modes of inheritance.

Allele frequency attached by ClinVar (database versions not stated): gnomAD exomes below 0.00001.
gnomAD v4.1: 2 of 1,614,016 alleles (0.00012%); highest among the groups gnomAD compares: Non-Finnish European, 0.00017%; no homozygotes.

Submissions (6):

Ambry Genetics
Classification: Likely pathogenic for Cardiovascular phenotype. Last evaluated: 2026-05-15. Review status: criteria provided, single submitter. Criteria: Ambry Variant Classification Scheme 2023. Collection method: clinical testing. Allele origin: germline.
Comment: The p.V524G variant (also known as c.1571T>G), located in coding exon 12 of the KCNQ1 gene, results from a T to G substitution at nucleotide position 1571. The valine at codon 524 is replaced by glycine, an amino acid with dissimilar properties. This variant was identified in one or more individuals with features consistent with long QT syndrome and segregated with disease in at least one family (external communications). This variant has been identified in the homozygous state and/or in conjunction with other KCNQ1 variant(s) in individual(s) with features consistent with long QT syndrome; in at least one instance, the variants were identified in trans (Giudicessi JR et al. Circ Cardiovasc Genet, 2013 Apr;6:193-200). This amino acid position is highly conserved in available vertebrate species. In addition, this alteration is predicted to be deleterious by in silico analysis. This variant is considered to be rare based on population cohorts in the Genome Aggregation Database (gnomAD). Based on the majority of available evidence to date, this variant is likely to be pathogenic; however, in the heterozygous state, this variant may present with reduced penetrance and expressivity.

Labcorp Genetics (formerly Invitae), Labcorp
Classification: Pathogenic for Long QT syndrome. Last evaluated: 2025-08-03. Review status: criteria provided, single submitter. Criteria: Invitae Variant Classification Sherloc (09022015). Collection method: clinical testing. Allele origin: germline.
Comment: This sequence change replaces valine, which is neutral and non-polar, with glycine, which is neutral and non-polar, at codon 524 of the KCNQ1 protein (p.Val524Gly). This variant is not present in population databases (gnomAD no frequency). This missense change has been observed in individuals with autosomal dominant long QT syndrome (PMID: 14678125, 15840476, 17470695, 22949429). This variant has been reported in individual(s) with autosomal recessive long QT syndrome without hearing loss typically associated with autosomal recessive Jervell and Lange-Nielsen syndrome (PMID: 23392653); however, the role of the variant in this condition is currently unclear. ClinVar contains an entry for this variant (Variation ID: 52994). Invitae Evidence Modeling of protein sequence and biophysical properties (such as structural, functional, and spatial information, amino acid conservation, physicochemical variation, residue mobility, and thermodynamic stability) has been performed for this missense variant. However, the output from this modeling did not meet the statistical confidence thresholds required to predict the impact of this variant on KCNQ1 protein function. For these reasons, this variant has been classified as Pathogenic.

GeneDx
Classification: Pathogenic. Last evaluated: 2022-09-08. Review status: criteria provided, single submitter. Criteria: GeneDx Variant Classification Process June 2021. Collection method: clinical testing. Allele origin: germline. Affected: yes.
Comment: Identified in patients with LQTS referred for genetic testing at GeneDx, and in the published literature (Zareba et al., 2003; Tester et al., 2005; Kapplinger et al., 2009); Not observed at significant frequency in large population cohorts (gnomAD); Published functional studies with low cytometry of V524G-transfected HEK293 cells showed significantly reduced surface trafficking compared to wild-type (Kanner et al., 2020); In silico analysis supports that this missense variant has a deleterious effect on protein structure/function; This variant is associated with the following publications: (PMID: 23392653, 25525159, 15466642, 15840476, 19716085, 17470695, 19841300, 22949429, 33198487, 23728945, 22581653, 14678125, 33169015)

Cardiovascular Biomedical Research Unit, Royal Brompton & Harefield NHS Foundation Trust
No classification provided. Condition: Familial long QT syndrome. Review status: no classification provided. Collection method: literature only. Allele origin: germline. Not counted in ClinVar's aggregate classification.
Comment: This variant has been reported as associated with Long QT syndrome in the following publications (PMID:14678125;PMID:15466642;PMID:15840476;PMID:19716085;PMID:19841300;PMID:17470695). This is a literature report, and does not necessarily reflect the clinical interpretation of the Imperial College / Royal Brompton Cardiovascular Genetics laboratory.

Clinical Genetics, Academic Medical Center
Classification: Pathogenic. Review status: no assertion criteria provided. Collection method: clinical testing. Allele origin: germline. Affected: yes. Study: VKGL Data-share Consensus. Not counted in ClinVar's aggregate classification.

Joint Genome Diagnostic Labs from Nijmegen and Maastricht, Radboudumc and MUMC+
Classification: Pathogenic. Review status: no assertion criteria provided. Collection method: clinical testing. Allele origin: germline. Affected: yes. Study: VKGL Data-share Consensus. Not counted in ClinVar's aggregate classification.

Literature cited by the submitters: PubMed 10532503 (cited by Ambry Genetics); PubMed 14678125 (cited by 3 submitters); PubMed 15466642 (cited by Ambry Genetics and Cardiovascular Biomedical Research Unit, Royal Brompton & Harefield NHS Foundation Trust); PubMed 15840476 (cited by 3 submitters); PubMed 17470695 (cited by 3 submitters); PubMed 19716085 (cited by Ambry Genetics and Cardiovascular Biomedical Research Unit, Royal Brompton & Harefield NHS Foundation Trust); PubMed 19841300 (cited by Ambry Genetics and Cardiovascular Biomedical Research Unit, Royal Brompton & Harefield NHS Foundation Trust); PubMed 21964171 (cited by Ambry Genetics); PubMed 22949429 (cited by Ambry Genetics and Labcorp Genetics (formerly Invitae), Labcorp); PubMed 23392653 (cited by Ambry Genetics and Labcorp Genetics (formerly Invitae), Labcorp); PubMed 23728945 (cited by Ambry Genetics); PubMed 29789915 (cited by Ambry Genetics); PubMed 22581653 (cited by Cardiovascular Biomedical Research Unit, Royal Brompton & Harefield NHS Foundation Trust).

NM_000218.3(KCNQ1):c.1571T>G (p.Val524Gly)

Gene: KCNQ1 (potassium voltage-gated channel subfamily Q member 1; plus strand). Cytogenetic location: 11p15.5.
Variant type: single nucleotide variant.
Coding change: c.1571T>G on transcript NM_000218.3 (MANE Select); coding-DNA position 1571, T replaced by G.
Protein change: p.Val524Gly; replaces valine 524 with glycine.
Molecular consequence: missense variant.
Genome position (GRCh38, 1-based): chr11:2,768,900, T>G. VCF-style: chr11-2768900-T-G. GRCh37 (hg19) VCF-style: chr11-2790130-T-G.
Other names: p.V524G:GTG>GGG; c.1571T>G (LRG_287t1); c.1475T>G, p.Val492Gly (NM_001406836.1); c.1301T>G, p.Val434Gly (NM_001406837.1); c.1031T>G, p.Val344Gly (NM_001406838.1); c.1190T>G, p.Val397Gly (NM_181798.2); short protein forms V524G, V397G, V344G, V434G, V492G.
Identifiers: ClinVar variation 52994 (VCV000052994.19), dbSNP rs199472790, ClinGen allele CA005943.